The following is an entry in ClinVar:

NM_003322.6(TULP1):c.719-7C>A

Gene: TULP1 (TUB like protein 1; minus strand). Cytogenetic location: 6p21.31.
Variant type: single nucleotide variant.
Coding change: c.719-7C>A on transcript NM_003322.6 (MANE Select); 7 bases into the intron before coding-DNA position 719, C replaced by A.
Molecular consequence: intron variant.
Genome position (GRCh38, 1-based): chr6:35,509,319, G>T on the plus strand (C>A on the coding strand, the complement: TULP1 is on the minus strand). VCF-style: chr6-35509319-G-T. GRCh37 (hg19) VCF-style: chr6-35477096-G-T.
Other names: c.560-7C>A (NM_001289395.2).
Identifiers: ClinVar variation 2201162 (VCV002201162.5), dbSNP rs373962196, ClinGen allele CA3772825.

ClinVar aggregate classification (germline): Uncertain significance. Review status: criteria provided, multiple submitters, no conflicts (2 of 4 stars). 2 submissions from 2 submitters: Uncertain significance (2). Last evaluated 2022-08-19.

gnomAD v4.1: 4 of 1,613,610 alleles (0.00025%); highest among the groups gnomAD compares: Non-Finnish European, 0.00034%; no homozygotes.

Submissions (2):

Labcorp Genetics (formerly Invitae), Labcorp
Classification: Uncertain significance. Last evaluated: 2022-08-19. Review status: criteria provided, single submitter. Criteria: Invitae Variant Classification Sherloc (09022015). Collection method: clinical testing. Allele origin: germline.
Comment: In summary, the available evidence is currently insufficient to determine the role of this variant in disease. Therefore, it has been classified as a Variant of Uncertain Significance. Algorithms developed to predict the effect of sequence changes on RNA splicing suggest that this variant may disrupt the consensus splice site. This variant has not been reported in the literature in individuals affected with TULP1-related conditions. This variant is present in population databases (rs373962196, gnomAD 0.0009%). This sequence change falls in intron 7 of the TULP1 gene. It does not directly change the encoded amino acid sequence of the TULP1 protein.

Blueprint Genetics
Classification: Uncertain significance. Last evaluated: 2022-04-01. Review status: criteria provided, single submitter. Criteria: ACMG Guidelines, 2015. Collection method: clinical testing. Allele origin: germline.